The following is an entry in ClinVar:

ClinVar aggregate classification (germline): Uncertain significance (1 of 4 stars; one submission).

gnomAD v4.1: 1 of 1,610,468 alleles (0.000062%); highest among the groups gnomAD compares: Non-Finnish European, 0.000085%; no homozygotes.

Submission:

Labcorp Genetics (formerly Invitae), Labcorp
Classification: Uncertain significance. Last evaluated: 2021-12-03. Review status: criteria provided, single submitter. Criteria: Invitae Variant Classification Sherloc (09022015). Collection method: clinical testing. Allele origin: germline.
Comment: This sequence change replaces arginine, which is basic and polar, with glycine, which is neutral and non-polar, at codon 737 of the ADAMTSL4 protein (p.Arg737Gly). This variant is not present in population databases (gnomAD no frequency). This variant has not been reported in the literature in individuals affected with ADAMTSL4-related conditions. Algorithms developed to predict the effect of missense changes on protein structure and function (SIFT, PolyPhen-2, Align-GVGD) all suggest that this variant is likely to be disruptive. In summary, the available evidence is currently insufficient to determine the role of this variant in disease. Therefore, it has been classified as a Variant of Uncertain Significance.

NM_019032.6(ADAMTSL4):c.2209C>G (p.Arg737Gly)

Gene: ADAMTSL4 (ADAMTS like 4; plus strand). Cytogenetic location: 1q21.2.
Variant type: single nucleotide variant.
Coding change: c.2209C>G on transcript NM_019032.6 (MANE Select); coding-DNA position 2209, C replaced by G.
Protein change: p.Arg737Gly; replaces arginine 737 with glycine.
Molecular consequence: missense variant.
Genome position (GRCh38, 1-based): chr1:150,557,976, C>G. VCF-style: chr1-150557976-C-G. GRCh37 (hg19) VCF-style: chr1-150530452-C-G.
Other names: c.2092C>G, p.Arg698Gly (NM_001288607.2); c.2278C>G, p.Arg760Gly (NM_001288608.2); c.2209C>G, p.Arg737Gly (NM_001378596.1, NM_025008.5); short protein forms R760G, R737G, R698G.
Identifiers: ClinVar variation 2030896 (VCV002030896.1), dbSNP rs377733557, ClinGen allele CA342314658.
Genomic context (GRCh38, chr1:150,557,976, plus strand): 5'-CCTCTTCCCTGCCCTGCTGGTGCCTGCAGCTGGGAGGCTGGCGAGTGGACATCCTGCAGC[C>G]GCTCCTGTGGCCCCGGCACCCAGCACCGCCAGCTGCAGTGCCGGCAGGAATTTGGGGGGG-3'
Protein context (NP_061905.2, residues 727-747): WEAGEWTSCS[Arg737Gly]SCGPGTQHRQ